The following is an entry in ClinVar:

NM_002693.3(POLG):c.2071-15C>T

Gene: POLG (DNA polymerase gamma, catalytic subunit; minus strand). Cytogenetic location: 15q26.1.
Variant type: single nucleotide variant.
Coding change: c.2071-15C>T on transcript NM_002693.3 (MANE Select); 15 bases into the intron before coding-DNA position 2071, C replaced by T.
Molecular consequence: intron variant.
Genome position (GRCh38, 1-based): chr15:89,323,916, G>A on the plus strand (C>T on the coding strand, the complement: POLG is on the minus strand). VCF-style: chr15-89323916-G-A. GRCh37 (hg19) VCF-style: chr15-89867147-G-A.
Other names: c.2071-15C>T (NM_002693.2, NM_001126131.2).
Identifiers: ClinVar variation 1581470 (VCV001581470.12), dbSNP rs1567188502, ClinGen allele CA2194556904.

ClinVar aggregate classification (germline): Likely benign. Review status: criteria provided, multiple submitters, no conflicts (2 of 4 stars). 4 submissions from 4 submitters: Likely benign (3). 1 of the submissions does not count toward it. Last evaluated 2026-03-19.

Conditions:
Progressive sclerosing poliodystrophy (MTDPS4A). Also called: NEURONAL DEGENERATION OF CHILDHOOD WITH LIVER DISEASE, PROGRESSIVE; Mitochondrial DNA Depletion Syndrome 4A; Alpers-Huttenlocher Syndrome (AHS); Alpers Syndrome; ALPERS DIFFUSE DEGENERATION OF CEREBRAL GRAY MATTER WITH HEPATIC CIRRHOSIS; Mitochondrial DNA depletion syndrome 4A (Alpers type). Identifiers: Orphanet 726, MedGen C0205710, MONDO:0008758, OMIM 203700.
POLG-related disorder. Also called: POLG-Related Spectrum Disorders; POLG-related condition; POLG-Related Disorders. Identifiers: MedGen C4763519.

Allele frequency attached by ClinVar (database versions not stated): gnomAD exomes below 0.00001.
gnomAD v4.1: 6 of 1,605,324 alleles (0.00037%); highest among the groups gnomAD compares: South Asian, 0.0011%; no homozygotes.

Submissions (4):

Women's Health and Genetics/Laboratory Corporation of America, LabCorp
Classification: Likely benign. Last evaluated: 2026-03-19. Review status: criteria provided, single submitter. Criteria: LabCorp Variant Classification Summary - May 2015. Collection method: clinical testing. Allele origin: germline.

Labcorp Genetics (formerly Invitae), Labcorp
Classification: Likely benign for Progressive sclerosing poliodystrophy. Last evaluated: 2026-01-05. Review status: criteria provided, single submitter. Criteria: Invitae Variant Classification Sherloc (09022015). Collection method: clinical testing. Allele origin: germline.

Blueprint Genetics
Classification: Likely benign. Last evaluated: 2021-03-08. Review status: criteria provided, single submitter. Criteria: ACMG Guidelines, 2015. Collection method: clinical testing. Allele origin: germline.

PreventionGenetics, part of Exact Sciences
Classification: Likely benign for POLG-related condition. Last evaluated: 2023-03-16. Review status: no assertion criteria provided. Collection method: clinical testing. Allele origin: germline. Not counted in ClinVar's aggregate classification.
Comment: This variant is classified as likely benign based on ACMG/AMP sequence variant interpretation guidelines (Richards et al. 2015 PMID: 25741868, with internal and published modifications).